The following is an entry in ClinVar:

NM_001042492.3(NF1):c.539del (p.Leu180fs)

Gene: NF1 (neurofibromin 1; plus strand). Cytogenetic location: 17q11.2.
Variant type: Deletion.
Coding change: c.539del on transcript NM_001042492.3 (MANE Select); coding-DNA position 539, one base deleted (T; older notation c.539delT).
Protein change: p.Leu180fs; shifts the reading frame from leucine 180.
Molecular consequence: frameshift variant.
Genome position (GRCh38, 1-based): chr17:31,169,950, T deleted; the last of 2 consecutive T bases (chr17:31,169,949-31,169,950); deleting either gives the same sequence. VCF-style (leftmost placement, unchanged base first): chr17-31169948-GT-G. GRCh37 (hg19) VCF-style: chr17-29496966-GT-G.
Other names: c.539delT (NM_000267.3); c.539delT, p.Leu180Tyrfs (NM_000267.4); c.539del, p.Leu180fs (NM_001128147.3); short protein forms L180fs.
Identifiers: ClinVar variation 3237831 (VCV003237831.3), dbSNP rs2544719118.
Genomic context (GRCh38, chr17:31,169,948, plus strand): 5'-TAGGTTACAGGAATTAACTGTTTGTTCAGAAGACAATGTTGATGTTCATGATATAGAATT[GT>G]TACAGTATATCAATGTGGATTGTGCAAAATTAAAACGACTCCTGAAGGGTAAGTTTAAAT-3'

ClinVar aggregate classification (germline): Pathogenic. Review status: criteria provided, multiple submitters, no conflicts (2 of 4 stars). 2 submissions from 2 submitters: Pathogenic (2). Last evaluated 2024-05-08.

Conditions:
Hereditary cancer-predisposing syndrome. Also called: Hereditary Cancer Syndrome; Tumor predisposition; Neoplastic Syndromes, Hereditary; Hereditary neoplastic syndrome. Identifiers: Orphanet 140162, MedGen C0027672, MeSH D009386, MONDO:0015356.
Cardiovascular phenotype. Identifiers: MedGen CN230736.
Neurofibromatosis, type 1 (NF1). Also called: VON RECKLINGHAUSEN DISEASE; Neurofibromatosis, type I; NEUROFIBROMATOSIS, TYPE I, SOMATIC; Peripheral type neurofibromatosis. Identifiers: Orphanet 636, MedGen C0027831, MONDO:0018975, OMIM 162200. Disease mechanism: loss of function.

Submissions (2):

Labcorp Genetics (formerly Invitae), Labcorp
Classification: Pathogenic for Neurofibromatosis, type 1. Last evaluated: 2024-05-08. Review status: criteria provided, single submitter. Criteria: Invitae Variant Classification Sherloc (09022015). Collection method: clinical testing. Allele origin: germline.
Comment: This sequence change creates a premature translational stop signal (p.Leu180Tyrfs*11) in the NF1 gene. It is expected to result in an absent or disrupted protein product. Loss-of-function variants in NF1 are known to be pathogenic (PMID: 10712197, 23913538). This variant is not present in population databases (gnomAD no frequency). This variant has not been reported in the literature in individuals affected with NF1-related conditions. For these reasons, this variant has been classified as Pathogenic.

Ambry Genetics
Classification: Pathogenic for Cardiovascular phenotype; Hereditary cancer-predisposing syndrome. Last evaluated: 2024-03-06. Review status: criteria provided, single submitter. Criteria: Ambry Variant Classification Scheme 2023. Collection method: clinical testing. Allele origin: germline.
Comment: The c.539delT pathogenic mutation, located in coding exon 5 of the NF1 gene, results from a deletion of one nucleotide at nucleotide position 539, causing a translational frameshift with a predicted alternate stop codon (p.L180Yfs*11). This variant has been observed in at least one individual with a personal and/or family history that is consistent with neurofibromatosis type 1 (NF1) (Ambry internal data). This variant is considered to be rare based on population cohorts in the Genome Aggregation Database (gnomAD). This alteration is expected to result in loss of function by premature protein truncation or nonsense-mediated mRNA decay. As such, this alteration is interpreted as a disease-causing mutation.

Literature cited by the submitters: PubMed 10712197 (cited by Labcorp Genetics (formerly Invitae), Labcorp); PubMed 23913538 (cited by Labcorp Genetics (formerly Invitae), Labcorp).